The following is an entry in ClinVar:

ClinVar aggregate classification (germline): Uncertain significance. Review status: criteria provided, multiple submitters, no conflicts (2 of 4 stars). 2 submissions from 2 submitters: Uncertain significance (2). Last evaluated 2024-11-03.

Conditions:
Schuurs-Hoeijmakers syndrome. Also called: PACS1-Related Neurodevelopmental Disorder. Identifiers: Orphanet 329224, MedGen C3554343, MONDO:0014006, OMIM 615009.
Inborn genetic diseases. Identifiers: MedGen C0950123, MeSH D030342.

gnomAD v4.1: 1 of 1,613,770 alleles (0.000062%); highest among the groups gnomAD compares: Admixed American, 0.0017%; no homozygotes.

Submissions (2):

Labcorp Genetics (formerly Invitae), Labcorp
Classification: Uncertain significance for Schuurs-Hoeijmakers syndrome. Last evaluated: 2024-11-03. Review status: criteria provided, single submitter. Criteria: Invitae Variant Classification Sherloc (09022015). Collection method: clinical testing. Allele origin: germline.
Comment: This sequence change replaces aspartic acid, which is acidic and polar, with tyrosine, which is neutral and polar, at codon 464 of the PACS1 protein (p.Asp464Tyr). This variant is not present in population databases (gnomAD no frequency). This variant has not been reported in the literature in individuals affected with PACS1-related conditions. Invitae Evidence Modeling of protein sequence and biophysical properties (such as structural, functional, and spatial information, amino acid conservation, physicochemical variation, residue mobility, and thermodynamic stability) indicates that this missense variant is not expected to disrupt PACS1 protein function with a negative predictive value of 80%. In summary, the available evidence is currently insufficient to determine the role of this variant in disease. Therefore, it has been classified as a Variant of Uncertain Significance.

Ambry Genetics
Classification: Uncertain significance for Inborn genetic diseases. Last evaluated: 2024-06-13. Review status: criteria provided, single submitter. Criteria: Ambry Variant Classification Scheme 2023. Collection method: clinical testing. Allele origin: germline.

NM_018026.4(PACS1):c.1390G>T (p.Asp464Tyr)

Gene: PACS1 (phosphofurin acidic cluster sorting protein 1; plus strand). Cytogenetic location: 11q13.2.
Variant type: single nucleotide variant.
Coding change: c.1390G>T on transcript NM_018026.4 (MANE Select); coding-DNA position 1390, G replaced by T.
Protein change: p.Asp464Tyr; replaces aspartic acid 464 with tyrosine.
Molecular consequence: missense variant.
Genome position (GRCh38, 1-based): chr11:66,230,563, G>T. VCF-style: chr11-66230563-G-T. GRCh37 (hg19) VCF-style: chr11-65998034-G-T.
Other names: short protein forms D464Y.
Identifiers: ClinVar variation 3303888 (VCV003303888.3).
Genomic context (GRCh38, chr11:66,230,563, plus strand): 5'-ACTGAGTGGGAGGTCATCTTCACTGTTTCCTCTCCTCCATGGTAGGAAATCACTGACCAG[G>T]ACATGTTTGGAGATGCCAGCACGAGTCTGGTTGTGCCGGAGAAAGTCAAAACTCCCATGA-3'
Protein context (NP_060496.2, residues 454-474): ETDTLEITDQ[Asp464Tyr]MFGDASTSLV